The following is an entry in ClinVar:

ClinVar aggregate classification (germline): Uncertain significance (1 of 4 stars; one submission).

Allele frequency attached by ClinVar (database versions not stated): TOPMed 0.00002; gnomAD 0.00003 and 0.00004.

Submission:

Labcorp Genetics (formerly Invitae), Labcorp
Classification: Uncertain significance. Last evaluated: 2021-06-07. Review status: criteria provided, single submitter. Criteria: Invitae Variant Classification Sherloc (09022015). Collection method: clinical testing. Allele origin: germline.
Comment: In summary, the available evidence is currently insufficient to determine the role of this variant in disease. Therefore, it has been classified as a Variant of Uncertain Significance. Algorithms developed to predict the effect of missense changes on protein structure and function (SIFT, PolyPhen-2, Align-GVGD) all suggest that this variant is likely to be disruptive, but these predictions have not been confirmed by published functional studies and their clinical significance is uncertain. This variant has not been reported in the literature in individuals with LIPI-related conditions. This variant is present in population databases (rs758262537, ExAC 0.01%). This sequence change replaces proline with arginine at codon 208 of the LIPI protein (p.Pro208Arg). The proline residue is highly conserved and there is a moderate physicochemical difference between proline and arginine.

NM_001302998.2(LIPI):c.560C>G (p.Pro187Arg)

Gene: LIPI (lipase I; minus strand). Cytogenetic location: 21q11.2.
Variant type: single nucleotide variant.
Coding change: c.560C>G on transcript NM_001302998.2 (MANE Select); coding-DNA position 560, C replaced by G.
Protein change: p.Pro187Arg; replaces proline 187 with arginine.
Molecular consequence: missense variant.
Genome position (GRCh38, 1-based): chr21:14,181,841, G>C on the plus strand (C>G on the coding strand, the complement: LIPI is on the minus strand). VCF-style: chr21-14181841-G-C. GRCh37 (hg19) VCF-style: chr21-15554162-G-C.
Other names: c.560C>G, p.Pro187Arg (NM_001302999.2, NM_001303000.2, NM_001303001.2 and 1 more transcripts); c.65C>G, p.Pro22Arg (NM_001379566.1); c.425C>G, p.Pro142Arg (NM_198996.4); short protein forms P187R, P22R, P142R.
Identifiers: ClinVar variation 1501705 (VCV001501705.8), dbSNP rs758262537, ClinGen allele CA9979631.